The following is an entry in ClinVar:

ClinVar aggregate classification (germline): Pathogenic. Review status: reviewed by expert panel (3 of 4 stars). 2 submissions from 2 submitters: Pathogenic (1). 1 of the submissions does not count toward it. Last evaluated 2023-08-04.

Conditions:
Hereditary cancer-predisposing syndrome. Also called: Hereditary Cancer Syndrome; Neoplastic Syndromes, Hereditary; Tumor predisposition; Hereditary neoplastic syndrome. Identifiers: Orphanet 140162, MedGen C0027672, MeSH D009386, MONDO:0015356.
CDH1-related diffuse gastric and lobular breast cancer syndrome. Also called: CDH1-related diffuse gastric and lobular breast cancer. Identifiers: MedGen CN311521, MONDO:0100488.

Submissions (2):

Clingen Gastric Cancer Variant Curation Expert Panel
Classification: Pathogenic for CDH1-related diffuse gastric and lobular breast cancer syndrome. Last evaluated: 2023-08-04. Review status: reviewed by expert panel. Criteria: ClinGen CDH1 ACMG Specifications V3.1. Collection method: curation. Allele origin: germline. Inheritance: Autosomal dominant inheritance.
Comment: The c.1636del p.(Ala546fs) variant is predicted to result in a premature stop codon that leads to nonsense mediate decay (PVS1 and PM5_supporting). The variant is absent in the gnomAD cohort (PM2_supporting). Therefore, this variant meets criteria to be classified as pathogenic based on the ACMG/AMP criteria applied as specified by the CDH1 Variant Curation Expert Panel (CDH1 VCEP specifications version 3.1): PVS1, PM2_supporting, PM5_supporting.

Ambry Genetics
Classification: Pathogenic for Hereditary cancer-predisposing syndrome. Last evaluated: 2016-10-05. Review status: criteria provided, single submitter. Criteria: Ambry Variant Classification Scheme 2023. Collection method: clinical testing. Allele origin: germline. Not counted in ClinVar's aggregate classification.
Comment: The c.1636delG pathogenic mutation, located in coding exon 11 of the CDH1 gene, results from a deletion of one nucleotide at position 1636, causing a translational frameshift with a predicted alternate stop codon. This alteration is expected to result in loss of function by premature protein truncation or nonsense-mediated mRNA decay. As such, this alteration is interpreted as a disease-causing mutation.

NM_004360.5(CDH1):c.1636del (p.Ala546fs)

Gene: CDH1 (cadherin 1; plus strand). Cytogenetic location: 16q22.1.
Variant type: Deletion.
Coding change: c.1636del on transcript NM_004360.5 (MANE Select); coding-DNA position 1636, one base deleted (G; older notation c.1636delG).
Protein change: p.Ala546fs; shifts the reading frame from alanine 546.
Molecular consequence: frameshift variant. On other transcripts: intron variant (1).
Genome position (GRCh38, 1-based): chr16:68,819,350, G deleted; the last of 3 consecutive G bases (chr16:68,819,348-68,819,350); deleting any one gives the same sequence. VCF-style (leftmost placement, unchanged base first): chr16-68819347-CG-C. GRCh37 (hg19) VCF-style: chr16-68853250-CG-C.
Other names: NM_004360.5(CDH1):c.1636del; p.Ala546fs; c.1453del, p.Ala485fs (NM_001317184.2); c.88del, p.Ala30fs (NM_001317185.2); c.-254-2651del (NM_001317186.2); c.1636del (LRG_301t1); short protein forms A485fs, A546fs, A30fs.
Identifiers: ClinVar variation 481028 (VCV000481028.6), dbSNP rs1555516556, ClinGen allele CA658658492.
Genomic context (GRCh38, chr16:68,819,347, plus strand): 5'-ATTTGGAGAGACACTGCCAACTGGCTGGAGATTAATCCGGACACTGGTGCCATTTCCACT[CG>C]GGCTGAGCTGGACAGGGAGGATTTTGAGCACGTGAAGAACAGCACGTACACAGCCCTAAT-3'